The following is an entry in ClinVar:

NM_001110556.2(FLNA):c.7334-64T>C

Gene: FLNA (filamin A; minus strand). Cytogenetic location: Xq28.
Variant type: single nucleotide variant.
Coding change: c.7334-64T>C on transcript NM_001110556.2 (MANE Select); 64 bases into the intron before coding-DNA position 7334, T replaced by C.
Molecular consequence: intron variant.
Genome position (GRCh38, 1-based): chrX:154,349,931, A>G on the plus strand (T>C on the coding strand, the complement: FLNA is on the minus strand). VCF-style: chrX-154349931-A-G. GRCh37 (hg19) VCF-style: chrX-153578299-A-G.
Other names: c.7310-64T>C (NM_001456.4).
Identifiers: ClinVar variation 674529 (VCV000674529.2), dbSNP rs2070819, ClinGen allele CA337272937.

ClinVar aggregate classification (germline): Benign. Review status: criteria provided, multiple submitters, no conflicts (2 of 4 stars). 2 submissions from 2 submitters: Benign (2). Last evaluated 2018-06-18.

Allele frequency attached by ClinVar (database versions not stated): gnomAD 0.22141 and 0.22714; TOPMed 0.23654; 1000 Genomes Project 0.24477; 1000 Genomes Project 30x 0.25328.
gnomAD v4.1: 165,010 of 1,185,740 alleles (14%); highest among the groups gnomAD compares: African/African-American, 48%; 11,012 homozygotes.

Submissions (2):

GeneDx
Classification: Benign. Last evaluated: 2018-06-18. Review status: criteria provided, single submitter. Criteria: GeneDx Variant Classification (06012015). Collection method: clinical testing. Allele origin: germline. Affected: yes.
Comment: This variant is considered likely benign or benign based on one or more of the following criteria: it is a conservative change, it occurs at a poorly conserved position in the protein, it is predicted to be benign by multiple in silico algorithms, and/or has population frequency not consistent with disease.

Breakthrough Genomics
Classification: Benign. Review status: criteria provided, single submitter. Criteria: ACMG Guidelines, 2015. Collection method: not provided. Allele origin: germline. Inheritance: X-linked inheritance. Affected: yes.